The following is an entry in ClinVar:

ClinVar aggregate classification (germline): Likely benign (0 of 4 stars; one submission).

Conditions:
TNS1-related disorder. Also called: TNS1-related condition.

Allele frequency attached by ClinVar (database versions not stated): ESP Exome Variant Server 0.00023; 1000 Genomes Project 30x 0.00031; ExAC 0.00033; gnomAD 0.00033; TOPMed 0.00039; 1000 Genomes Project 0.00040; gnomAD exomes 0.00042.
gnomAD v4.1: 665 of 1,609,394 alleles (0.041%); highest among the groups gnomAD compares: Middle Eastern, 0.43%; 1 homozygote.

Submission:

PreventionGenetics, part of Exact Sciences
Classification: Likely benign for TNS1-related condition. Last evaluated: 2019-02-21. Review status: no assertion criteria provided. Collection method: clinical testing. Allele origin: germline.
Comment: This variant is classified as likely benign based on ACMG/AMP sequence variant interpretation guidelines (Richards et al. 2015 PMID: 25741868, with internal and published modifications).

NM_001387777.1(TNS1):c.4593C>T (p.Thr1531=)

Gene: TNS1 (tensin 1; minus strand). Cytogenetic location: 2q35.
Variant type: single nucleotide variant.
Coding change: c.4593C>T on transcript NM_001387777.1 (MANE Select); coding-DNA position 4593, C replaced by T.
Protein change: p.Thr1531=; no amino-acid change (threonine 1531 retained).
Molecular consequence: synonymous variant.
Genome position (GRCh38, 1-based): chr2:217,817,739, G>A on the plus strand (C>T on the coding strand, the complement: TNS1 is on the minus strand). VCF-style: chr2-217817739-G-A. GRCh37 (hg19) VCF-style: chr2-218682462-G-A.
Other names: c.4281C>T, p.Thr1427= (NM_022648.7); c.4242C>T, p.Thr1414= (NM_001308022.2); c.4218C>T, p.Thr1406= (NM_001308023.2).
Identifiers: ClinVar variation 3041980 (VCV003041980.2), dbSNP rs187403005, ClinGen allele CA2099581.